The following is an entry in ClinVar:

NM_006073.4(TRDN):c.274G>T (p.Val92Leu)

Gene: TRDN (triadin; minus strand). Cytogenetic location: 6q22.31.
Variant type: single nucleotide variant.
Coding change: c.274G>T on transcript NM_006073.4 (MANE Select); coding-DNA position 274, G replaced by T.
Protein change: p.Val92Leu; replaces valine 92 with leucine.
Molecular consequence: missense variant.
Genome position (GRCh38, 1-based): chr6:123,548,571, C>A on the plus strand (G>T on the coding strand, the complement: TRDN is on the minus strand). VCF-style: chr6-123548571-C-A. GRCh37 (hg19) VCF-style: chr6-123869716-C-A.
Other names: c.274G>T, p.Val92Leu (NM_001251987.2, NM_001256020.2, NM_001256021.2 and 1 more transcripts); short protein forms V92L.
Identifiers: ClinVar variation 1508042 (VCV001508042.7), dbSNP rs34808221, ClinGen allele CA365568905.

ClinVar aggregate classification (germline): Uncertain significance (1 of 4 stars; one submission).

Conditions:
Catecholaminergic polymorphic ventricular tachycardia 1. Also called: RYR2-Related Catecholaminergic Polymorphic Ventricular Tachycardia; VENTRICULAR TACHYCARDIA, STRESS-INDUCED POLYMORPHIC 1; VENTRICULAR TACHYCARDIA, CATECHOLAMINERGIC POLYMORPHIC, 1, WITH OR WITHOUT ATRIAL DYSFUNCTION AND/OR DILATED CARDIOMYOPATHY. Identifiers: Orphanet 3286, MedGen C1631597, MONDO:0011484, OMIM 604772.

gnomAD v4.1: 2 of 1,555,520 alleles (0.00013%); highest among the groups gnomAD compares: African/African-American, 0.0027%; no homozygotes.

Submission:

Labcorp Genetics (formerly Invitae), Labcorp
Classification: Uncertain significance for Catecholaminergic polymorphic ventricular tachycardia 1. Last evaluated: 2021-09-25. Review status: criteria provided, single submitter. Criteria: Invitae Variant Classification Sherloc (09022015). Collection method: clinical testing. Allele origin: germline.
Comment: This variant is not present in population databases (ExAC no frequency). This sequence change replaces valine with leucine at codon 92 of the TRDN protein (p.Val92Leu). The valine residue is moderately conserved and there is a small physicochemical difference between valine and leucine. This variant has not been reported in the literature in individuals affected with TRDN-related conditions. Algorithms developed to predict the effect of missense changes on protein structure and function are either unavailable or do not agree on the potential impact of this missense change (SIFT: "Deleterious"; PolyPhen-2: "Not Available"; Align-GVGD: "Class C0"). In summary, the available evidence is currently insufficient to determine the role of this variant in disease. Therefore, it has been classified as a Variant of Uncertain Significance.